The following is an entry in ClinVar:

ClinVar aggregate classification (germline): Pathogenic/Likely pathogenic. Review status: criteria provided, multiple submitters, no conflicts (2 of 4 stars). 18 submissions from 16 submitters: Pathogenic (11); Likely pathogenic (3). 4 of the submissions do not count toward it. Last evaluated 2025-07-22.

Conditions:
GMPPB-related disorder. Also called: GMPPB-related disorders; GMPPB-related condition.
Inborn genetic diseases. Identifiers: MedGen C0950123, MeSH D030342.
Muscular dystrophy-dystroglycanopathy (congenital with brain and eye anomalies), type A14. Also called: Congenital Muscular Dystrophy-Dystroglycanopathy with Brain and Eye Anomalies Type A 14; WALKER-WARBURG SYNDROME OR MUSCLE-EYE-BRAIN DISEASE, GMPPB-RELATED; Muscular dystrophy-dystroglycanopathy (congenital with brain and eye anomalies), type a, 14; Congenital muscular dystrophy-dystroglycanopathy with brain and eye anomalies, type A14. Identifiers: Orphanet 588, MedGen C3809216, MONDO:0014140, OMIM 615350.
Autosomal recessive limb-girdle muscular dystrophy type 2T. Also called: MUSCULAR DYSTROPHY-DYSTROGLYCANOPATHY, LIMB-GIRDLE, GMPPB-RELATED; MUSCULAR DYSTROPHY, LIMB-GIRDLE, TYPE 2T; Muscular dystrophy-dystroglycanopathy (limb-girdle), type c, 14; Limb-girdle muscular dystrophy-dystroglycanopathy, type C14. Identifiers: Orphanet 363623, MedGen C4518000, MONDO:0014142, OMIM 615352.
Muscular dystrophy-dystroglycanopathy (congenital with impaired intellectual development), type B, 14. Also called: MUSCULAR DYSTROPHY, CONGENITAL, GMPPB-RELATED; Congenital muscular dystrophy-dystroglycanopathy with mental retardation, type B14; Muscular dystrophy-dystroglycanopathy (congenital with intellectual disability), type B14. Identifiers: MedGen C3809221, MONDO:0014141, OMIM 615351.
Limb-girdle muscular dystrophy (LGMD). Also called: Muscular Dystrophies, Limb-Girdle. Identifiers: Orphanet 263, MedGen C0686353, MeSH D049288, MONDO:0016971, HP:0006785.
Abnormality of the musculature. Identifiers: MedGen C4021745, HP:0003011.

Allele frequency attached by ClinVar (database versions not stated): TOPMed 0.00001; gnomAD 0.00003 and below 0.00001; ExAC 0.00007.
gnomAD v4.1: 112 of 1,613,784 alleles (0.0069%); highest among the groups gnomAD compares: South Asian, 0.12%; no homozygotes.

Submissions 1 to 8 of 18:

Foundation for Research in Genetics and Endocrinology, FRIGE's Institute of Human Genetics
Classification: Likely pathogenic for Muscular dystrophy-dystroglycanopathy (congenital with brain and eye anomalies), type A14. Last evaluated: 2025-07-22. Review status: criteria provided, single submitter. Criteria: ACMG Guidelines, 2015. Collection method: clinical testing. Allele origin: germline. Inheritance: Autosomal recessive inheritance. Affected: yes. Observed: 1 homozygote.
Comment: The homozygous missense variant c.1000G>A; p.Asp334Asn, has been detected in the GMPPB gene and it leads to a change in amino acid from Aspartic Acid to Asparagine at codon 334. This variant has been reported in population frequency databases such as gnomAD (MAF-0.0069%) and in ExAC (MAF-0.0074%). This variant is predicted to be deleterious by in silico prediction tools such as MutationTaster, DANN and PrimateAI. In summary, the variant meets our criteria to be classified as likely pathogenic.

Ambry Genetics
Classification: Pathogenic for Inborn genetic diseases. Last evaluated: 2025-05-06. Review status: criteria provided, single submitter. Criteria: Ambry Variant Classification Scheme 2023. Collection method: clinical testing. Allele origin: germline.
Comment: The c.1081G>A (p.D361N) alteration is located in exon 8 (coding exon 8) of the GMPPB gene. This alteration results from a G to A substitution at nucleotide position 1081, causing the aspartic acid (D) at amino acid position 361 to be replaced by an asparagine (N). Based on data from gnomAD, the A allele has an overall frequency of 0.008% (19/251044) total alleles studied. The highest observed frequency was 0.062% (19/30616) of South Asian alleles. This variant has been identified in the homozygous state and/or in conjunction with other variant(s) in this same gene in individual(s) with features consistent with GMPPB-related dystroglycanopathies and segregated with disease in at least one family (Stevens, 2013; Belaya, 2015; Sarkozy, 2018; Polavarapu, 2021). Note, this variant is also referred to as p.D334N c.1000G>A in the literature. This amino acid position is highly conserved in available vertebrate species. In an assay testing GMPPB function, this variant showed a functionally abnormal result (Carss, 2013). This alteration is predicted to be tolerated by in silico analysis. Based on the available evidence, this alteration is classified as pathogenic.

Revvity Omics, Revvity
Classification: Pathogenic. Last evaluated: 2025-05-02. Review status: criteria provided, single submitter. Criteria: ACMG Guidelines, 2015. Collection method: clinical testing. Allele origin: germline.

PreventionGenetics, part of Exact Sciences
Classification: Pathogenic for GMPPB-related condition. Last evaluated: 2025-04-11. Review status: criteria provided, single submitter. Criteria: ACMG Guidelines, 2015. Collection method: clinical testing. Allele origin: germline.
Comment: The GMPPB c.1081G>A variant is predicted to result in the amino acid substitution p.Asp361Asn. This variant is alternatively referred to as c.1000G>A (p.Asp334Asn) using the NM_021971.2 transcript. This variant has been reported in the homozygous and compound heterozygous states in many unrelated individuals with GMPPB-related muscular dystrophies (see for examples, Table S5, Carss et al. 2013. PMID:23768512; Sarkozy et al. 2018. PubMed ID: 29437916; Polavarapu et al. 2021. PubMed ID: 34333724). This variant is reported in 0.062% of alleles in individuals of South Asian descent in gnomAD. An in vitro experimental study using myoblasts indicated that this variant causes mislocalization of the GMPPB protein in the cell (Carss et al. 2013. PMID:23768512). This variant is interpreted as pathogenic.

Labcorp Genetics (formerly Invitae), Labcorp
Classification: Pathogenic for Autosomal recessive limb-girdle muscular dystrophy type 2T; Muscular dystrophy-dystroglycanopathy (congenital with brain and eye anomalies), type A14; Muscular dystrophy-dystroglycanopathy (congenital with impaired intellectual development), type B, 14. Last evaluated: 2024-11-15. Review status: criteria provided, single submitter. Criteria: Invitae Variant Classification Sherloc (09022015). Collection method: clinical testing. Allele origin: germline.
Comment: This sequence change replaces aspartic acid, which is acidic and polar, with asparagine, which is neutral and polar, at codon 334 of the GMPPB protein (p.Asp334Asn). This variant is present in population databases (rs397509422, gnomAD 0.06%). This missense change has been observed in individual(s) with clinical features of GMPPB-related conditions (PMID: 23768512, 26133662; internal data). In at least one individual the data is consistent with being in trans (on the opposite chromosome) from a pathogenic variant. ClinVar contains an entry for this variant (Variation ID: 60540). An algorithm developed to predict the effect of missense changes on protein structure and function (PolyPhen-2) suggests that this variant is likely to be disruptive. Experimental studies have shown that this missense change affects GMPPB function (PMID: 23768512). For these reasons, this variant has been classified as Pathogenic.

Blueprint Genetics
Classification: Pathogenic for GMPPB-related disorders. Last evaluated: 2024-08-29. Review status: criteria provided, single submitter. Criteria: ACMG Guidelines, 2015. Collection method: clinical testing. Allele origin: germline. Affected: yes. Observed: 5 variant alleles.

Women's Health and Genetics/Laboratory Corporation of America, LabCorp
Classification: Pathogenic for GMPPB-Related Disorders. Last evaluated: 2023-10-10. Review status: criteria provided, single submitter. Criteria: LabCorp Variant Classification Summary - May 2015. Collection method: clinical testing. Allele origin: germline.
Comment: Variant summary: GMPPB c.1081G>A (p.Asp361Asn), also referred to as c.1000G>A (p.Asp334Asn) in the literature, results in a conservative amino acid change in the encoded protein sequence. Three of five in-silico tools predict a benign effect of the variant on protein function. The variant allele was found at a frequency of 7.6e-05 in 251044 control chromosomes, found exclusively within the South Asian subpopulation at a frequency of 0.00062 in the gnomAD database. c.1081G>A has been reported in the literature as a compound heterozygous genotype in at least two individuals affected with congenital muscular dystrophy who have subsequently been cited in other publications (e.g. Carrs_2013, Stevens_2013, Belaya_2015) and in the homozygous state in 12 individuals from 7 different families in which the variant segregated with a limb-girdle muscular dystrophy-congenital myasthenic syndrome (LGMD/CMS) phenotype (Polavarapu_2021). In all cases, the affected individuals were of South Asian descent, and it has been suggested the variant may be a common founder variant in individuals of South Indian ancestry (Polavarapu_2021). These data indicate that the variant is very likely to be associated with disease. At least one publication reports experimental evidence evaluating an impact on protein function and found the variant formed aggregates in the cytoplasm, whereas the wild type GMPPB protein is soluble, however, this study did not evalute the impact of the variant on enzyme activity (e.g. Carrs_2013). The following publications have been ascertained in the context of this evaluation (PMID: 26133662, 23768512, 34333724, 23894383). Six submitters have cited clinical-significance assessments for this variant to ClinVar after 2014. All submitters classified the variant as pathogenic/likely pathogenic. Based on the evidence outlined above, the variant was classified as pathogenic.

GeneDx
Classification: Pathogenic. Last evaluated: 2021-10-11. Review status: criteria provided, single submitter. Criteria: GeneDx Variant Classification Process June 2021. Collection method: clinical testing. Allele origin: germline. Affected: yes.
Comment: Published functional studies demonstrate a damaging effect: abnormal subcellular localization (Carss et al., 2013); In silico analysis supports that this missense variant has a deleterious effect on protein structure/function; This variant is associated with the following publications: (PMID: 26133662, 28456886, 23768512, 29437916, 23894383, 33060286)

NM_021971.4(GMPPB):c.1000G>A (p.Asp334Asn)

Gene: GMPPB (GDP-mannose pyrophosphorylase B; minus strand). Cytogenetic location: 3p21.31.
Variant type: single nucleotide variant.
Coding change: c.1000G>A on transcript NM_021971.4 (MANE Select); coding-DNA position 1000, G replaced by A.
Protein change: p.Asp334Asn; replaces aspartic acid 334 with asparagine.
Molecular consequence: missense variant.
Genome position (GRCh38, 1-based): chr3:49,721,835, C>T on the plus strand (G>A on the coding strand, the complement: GMPPB is on the minus strand). VCF-style: chr3-49721835-C-T. GRCh37 (hg19) VCF-style: chr3-49759268-C-T.
Other names: c.1081G>A (NM_013334.2); c.1081G>A, p.Asp361Asn (NM_013334.4); short protein forms D334N, D361N.
Identifiers: ClinVar variation 60540 (VCV000060540.51), dbSNP rs397509422, ClinGen allele CA144551.